The following is an entry in ClinVar:

ClinVar aggregate classification (germline): Pathogenic (1 of 4 stars; one submission).

Submission:

Labcorp Genetics (formerly Invitae), Labcorp
Classification: Pathogenic. Last evaluated: 2024-02-23. Review status: criteria provided, single submitter. Criteria: Invitae Variant Classification Sherloc (09022015). Collection method: clinical testing. Allele origin: germline.
Comment: This sequence change creates a premature translational stop signal (p.Lys1412Argfs*5) in the ADGRV1 gene. It is expected to result in an absent or disrupted protein product. Loss-of-function variants in ADGRV1 are known to be pathogenic (PMID: 19357117, 22135276, 22147658, 26226137, 30718709, 31047384, 32467589). This variant is not present in population databases (gnomAD no frequency). This variant has not been reported in the literature in individuals affected with ADGRV1-related conditions. ClinVar contains an entry for this variant (Variation ID: 1427508). Algorithms developed to predict the effect of sequence changes on RNA splicing suggest that this variant may disrupt the consensus splice site. For these reasons, this variant has been classified as Pathogenic.

Literature cited by the submitters: PubMed 19357117; PubMed 22135276; PubMed 22147658; PubMed 26226137; PubMed 30718709; PubMed 31047384; PubMed 32467589.

NM_032119.4(ADGRV1):c.4235del (p.Lys1412fs)

Gene: ADGRV1 (adhesion G protein-coupled receptor V1; plus strand). Cytogenetic location: 5q14.3.
Variant type: Deletion.
Coding change: c.4235del on transcript NM_032119.4 (MANE Select); coding-DNA position 4235, one base deleted (A; older notation c.4235delA).
Protein change: p.Lys1412fs; shifts the reading frame from lysine 1412.
Molecular consequence: frameshift variant. On other transcripts: non-coding transcript variant (1).
Genome position (GRCh38, 1-based): chr5:90,653,809, A deleted; the last of 2 consecutive A bases (chr5:90,653,808-90,653,809); deleting either gives the same sequence. VCF-style (leftmost placement, unchanged base first): chr5-90653807-CA-C. GRCh37 (hg19) VCF-style: chr5-89949624-CA-C.
Other names: short protein forms K1412fs.
Identifiers: ClinVar variation 1427508 (VCV001427508.6), dbSNP rs2149468435, ClinGen allele CA2573140109.